The following is an entry in ClinVar:

NM_001379200.1(TBX1):c.1271C>G (p.Pro424Arg)

Gene: TBX1 (T-box transcription factor 1; plus strand). Cytogenetic location: 22q11.21.
Variant type: single nucleotide variant.
Coding change: c.1271C>G on transcript NM_001379200.1 (MANE Select); coding-DNA position 1271, C replaced by G.
Protein change: p.Pro424Arg; replaces proline 424 with arginine.
Molecular consequence: missense variant. On other transcripts: intron variant (2).
Genome position (GRCh38, 1-based): chr22:19,766,623, C>G. VCF-style: chr22-19766623-C-G. GRCh37 (hg19) VCF-style: chr22-19754146-C-G.
Other names: c.1244C>G, p.Pro415Arg (NM_080647.1); c.1009+621C>G (NM_005992.1, NM_080646.2); short protein forms P415R, P424R.
Identifiers: ClinVar variation 1040156 (VCV001040156.8), dbSNP rs767961877, ClinGen allele CA10102694.

ClinVar aggregate classification (germline): Uncertain significance (1 of 4 stars; one submission).

Conditions:
DiGeorge syndrome. Also called: Catch22; THIRD AND FOURTH PHARYNGEAL POUCH SYNDROME. Identifiers: Orphanet 567, MedGen C0012236, MONDO:0008564, OMIM 188400.

Allele frequency attached by ClinVar (database versions not stated): TOPMed below 0.00001; gnomAD exomes 0.00001 and 0.00002; ExAC 0.00007.
gnomAD v4.1: 10 of 1,544,274 alleles (0.00065%); highest among the groups gnomAD compares: Admixed American, 0.015%; no homozygotes.

Submission:

Labcorp Genetics (formerly Invitae), Labcorp
Classification: Uncertain significance for DiGeorge syndrome. Last evaluated: 2023-02-08. Review status: criteria provided, single submitter. Criteria: Invitae Variant Classification Sherloc (09022015). Collection method: clinical testing. Allele origin: germline.
Comment: This sequence change replaces proline, which is neutral and non-polar, with arginine, which is basic and polar, at codon 415 of the TBX1 protein (p.Pro415Arg). In summary, the available evidence is currently insufficient to determine the role of this variant in disease. Therefore, it has been classified as a Variant of Uncertain Significance. Algorithms developed to predict the effect of missense changes on protein structure and function are either unavailable or do not agree on the potential impact of this missense change (SIFT: "Deleterious"; PolyPhen-2: "Possibly Damaging"; Align-GVGD: "Class C0"). ClinVar contains an entry for this variant (Variation ID: 1040156). This variant has not been reported in the literature in individuals affected with TBX1-related conditions. This variant is present in population databases (rs767961877, gnomAD 0.01%).